The following is an entry in ClinVar:

ClinVar aggregate classification (germline): Conflicting classifications of pathogenicity. Review status: criteria provided, conflicting classifications (1 of 4 stars). 2 submissions from 2 submitters: Uncertain significance (1); Likely benign (1). Last evaluated 2025-08-11.

Allele frequency attached by ClinVar (database versions not stated): TOPMed 0.00002; gnomAD 0.00003; gnomAD exomes 0.00003.
gnomAD v4.1: 53 of 1,611,316 alleles (0.0033%); highest among the groups gnomAD compares: Middle Eastern, 0.016%; no homozygotes.

Submissions (2):

Labcorp Genetics (formerly Invitae), Labcorp
Classification: Uncertain significance. Last evaluated: 2025-08-11. Review status: criteria provided, single submitter. Criteria: Invitae Variant Classification Sherloc (09022015). Collection method: clinical testing. Allele origin: germline.
Comment: This sequence change falls in intron 10 of the ALPK3 gene. It does not directly change the encoded amino acid sequence of the ALPK3 protein. It affects a nucleotide within the consensus splice site. This variant is present in population databases (rs774261187, gnomAD 0.01%). This variant has not been reported in the literature in individuals affected with ALPK3-related conditions. ClinVar contains an entry for this variant (Variation ID: 1943349). Variants that disrupt the consensus splice site are a relatively common cause of aberrant splicing (PMID: 17576681, 9536098). Algorithms developed to predict the effect of sequence changes on RNA splicing suggest that this variant is not likely to affect RNA splicing. In summary, the available evidence is currently insufficient to determine the role of this variant in disease. Therefore, it has been classified as a Variant of Uncertain Significance.

Blueprint Genetics
Classification: Likely benign. Last evaluated: 2022-08-19. Review status: criteria provided, single submitter. Criteria: ACMG Guidelines, 2015. Collection method: clinical testing. Allele origin: germline.

Literature cited by the submitters: PubMed 17576681 (cited by Labcorp Genetics (formerly Invitae), Labcorp); PubMed 9536098 (cited by Labcorp Genetics (formerly Invitae), Labcorp).

NM_020778.5(ALPK3):c.4410+6A>G

Gene: ALPK3 (alpha kinase 3; plus strand). Cytogenetic location: 15q25.3.
Variant type: single nucleotide variant.
Coding change: c.4410+6A>G on transcript NM_020778.5 (MANE Select); 6 bases into the intron after coding-DNA position 4410, A replaced by G.
Molecular consequence: intron variant.
Genome position (GRCh38, 1-based): chr15:84,862,921, A>G. VCF-style: chr15-84862921-A-G. GRCh37 (hg19) VCF-style: chr15-85406152-A-G.
Identifiers: ClinVar variation 1943349 (VCV001943349.6), dbSNP rs774261187, ClinGen allele CA273631538.